The following is an entry in ClinVar:

NM_021930.6(RINT1):c.140C>A (p.Thr47Lys)

Gene: RINT1 (RAD50 interactor 1; plus strand). Cytogenetic location: 7q22.3.
Variant type: single nucleotide variant.
Coding change: c.140C>A on transcript NM_021930.6 (MANE Select); coding-DNA position 140, C replaced by A.
Protein change: p.Thr47Lys; replaces threonine 47 with lysine.
Molecular consequence: missense variant. On other transcripts: 5 prime UTR variant (3), non-coding transcript variant (1), intron variant (1).
Genome position (GRCh38, 1-based): chr7:105,536,616, C>A. VCF-style: chr7-105536616-C-A. GRCh37 (hg19) VCF-style: chr7-105177063-C-A.
Other names: c.-880C>A (NM_001346600.2); c.-783C>A (NM_001346601.2); c.-403C>A (NM_001346603.2); c.39+4C>A (NM_001346599.2); short protein forms T47K.
Identifiers: ClinVar variation 3433573 (VCV003433573.1).
Genomic context (GRCh38, chr7:105,536,616, plus strand): 5'-TTGTTGTAGGTGACATAAATGTTACAGTTCTTATTGGAAGTAAACAAGTCAGTGAAGGTA[C>A]AGATAATGGTGATCTCCCTTCTTATGTGTCTGCATTCATAGAAAAGGAAGTTGGAAATGA-3'
Protein context (NP_068749.3, residues 37-57): LIGSKQVSEG[Thr47Lys]DNGDLPSYVS

ClinVar aggregate classification (germline): Uncertain significance (1 of 4 stars; one submission).

gnomAD v4.1: 6 of 1,610,216 alleles (0.00037%); highest among the groups gnomAD compares: South Asian, 0.0067%; no homozygotes.

Submission:

Ambry Genetics
Classification: Uncertain significance. Last evaluated: 2024-09-19. Review status: criteria provided, single submitter. Criteria: Ambry Variant Classification Scheme 2023. Collection method: clinical testing. Allele origin: germline.
Comment: The p.T47K variant (also known as c.140C>A), located in coding exon 3 of the RINT1 gene, results from a C to A substitution at nucleotide position 140. The threonine at codon 47 is replaced by lysine, an amino acid with similar properties. This amino acid position is conserved. In addition, this alteration is predicted to be tolerated by in silico analysis. Based on the available evidence, the clinical significance of this variant remains unclear.